The following is an entry in ClinVar:

NM_004006.3(DMD):c.5277G>C (p.Glu1759Asp)

Gene: DMD (dystrophin; minus strand). Cytogenetic location: Xp21.1.
Variant type: single nucleotide variant.
Coding change: c.5277G>C on transcript NM_004006.3 (MANE Select); coding-DNA position 5277, G replaced by C.
Protein change: p.Glu1759Asp; replaces glutamic acid 1759 with aspartic acid.
Molecular consequence: missense variant.
Genome position (GRCh38, 1-based): chrX:32,362,836, C>G on the plus strand (G>C on the coding strand, the complement: DMD is on the minus strand). VCF-style: chrX-32362836-C-G. GRCh37 (hg19) VCF-style: chrX-32380953-C-G.
Other names: c.5253G>C, p.Glu1751Asp (NM_000109.4); c.5265G>C, p.Glu1755Asp (NM_004009.3); c.4908G>C, p.Glu1636Asp (NM_004010.3); c.1254G>C, p.Glu418Asp (NM_004011.4); c.1245G>C, p.Glu415Asp (NM_004012.4); short protein forms E1636D, E1751D, E1755D, E1759D, E415D, E418D.
Identifiers: ClinVar variation 4800961 (VCV004800961.1).

ClinVar aggregate classification (germline): Uncertain significance (1 of 4 stars; one submission).

Conditions:
Duchenne muscular dystrophy (DMD). Also called: Duchenne Muscular Dystrophy (DMD); MUSCULAR DYSTROPHY, PSEUDOHYPERTROPHIC PROGRESSIVE, DUCHENNE TYPE. Identifiers: Orphanet 98896, MedGen C0013264, MONDO:0010679, OMIM 310200.

Submission:

Labcorp Genetics (formerly Invitae), Labcorp
Classification: Uncertain significance for Duchenne muscular dystrophy. Last evaluated: 2025-03-24. Review status: criteria provided, single submitter. Criteria: Invitae Variant Classification Sherloc (09022015). Collection method: clinical testing. Allele origin: germline.
Comment: This sequence change replaces glutamic acid, which is acidic and polar, with aspartic acid, which is acidic and polar, at codon 1759 of the DMD protein (p.Glu1759Asp). This variant is not present in population databases (gnomAD no frequency). This variant has not been reported in the literature in individuals affected with DMD-related conditions. Invitae Evidence Modeling of protein sequence and biophysical properties (such as structural, functional, and spatial information, amino acid conservation, physicochemical variation, residue mobility, and thermodynamic stability) indicates that this missense variant is not expected to disrupt DMD protein function with a negative predictive value of 95%. In summary, the available evidence is currently insufficient to determine the role of this variant in disease. Therefore, it has been classified as a Variant of Uncertain Significance.